The following is an entry in ClinVar:

ClinVar aggregate classification (germline): Uncertain significance (1 of 4 stars; one submission).

Conditions:
Immunodeficiency 104. Also called: Severe combined immunodeficiency, autosomal recessive, T cell-negative, B cell-positive, NK cell-positive; SCID, AUTOSOMAL RECESSIVE, T CELL-NEGATIVE, B CELL-POSITIVE, NK CELL-POSITIVE; IMMUNODEFICIENCY 104, SEVERE COMBINED; Severe Combined Immune Deficiency, Autosomal Recessive, TCell -Negative, B Cell-Positive, NK Cell-Positive, IL7R-Related. Identifiers: MedGen C5676890, MONDO:0012163, OMIM 608971.

Allele frequency attached by ClinVar (database versions not stated): TOPMed below 0.00001; gnomAD 0.00001.
gnomAD v4.1: 1 of 1,613,458 alleles (0.000062%); highest among the groups gnomAD compares: African/African-American, 0.0013%; no homozygotes.

Submission:

Labcorp Genetics (formerly Invitae), Labcorp
Classification: Uncertain significance for Immunodeficiency 104. Last evaluated: 2022-05-25. Review status: criteria provided, single submitter. Criteria: Invitae Variant Classification Sherloc (09022015). Collection method: clinical testing. Allele origin: germline.
Comment: In summary, the available evidence is currently insufficient to determine the role of this variant in disease. Therefore, it has been classified as a Variant of Uncertain Significance. Algorithms developed to predict the effect of missense changes on protein structure and function (SIFT, PolyPhen-2, Align-GVGD) all suggest that this variant is likely to be tolerated. This variant has not been reported in the literature in individuals affected with PTPRC-related conditions. This variant is not present in population databases (gnomAD no frequency). This sequence change replaces lysine, which is basic and polar, with arginine, which is basic and polar, at codon 481 of the PTPRC protein (p.Lys481Arg).

NM_002838.5(PTPRC):c.1442A>G (p.Lys481Arg)

Gene: PTPRC (protein tyrosine phosphatase receptor type C; plus strand). Cytogenetic location: 1q32.1.
Variant type: single nucleotide variant.
Coding change: c.1442A>G on transcript NM_002838.5 (MANE Select); coding-DNA position 1442, A replaced by G.
Protein change: p.Lys481Arg; replaces lysine 481 with arginine.
Molecular consequence: missense variant.
Genome position (GRCh38, 1-based): chr1:198,716,832, A>G. VCF-style: chr1-198716832-A-G. GRCh37 (hg19) VCF-style: chr1-198685961-A-G.
Other names: c.959A>G, p.Lys320Arg (NM_080921.4); short protein forms K481R, K320R.
Identifiers: ClinVar variation 1998838 (VCV001998838.4), dbSNP rs1029540128, ClinGen allele CA35893089.